The following is an entry in ClinVar:

NM_001184880.2(PCDH19):c.3127A>T (p.Ile1043Phe)

Gene: PCDH19 (protocadherin 19; minus strand). Cytogenetic location: Xq22.1.
Variant type: single nucleotide variant.
Coding change: c.3127A>T on transcript NM_001184880.2 (MANE Select); coding-DNA position 3127, A replaced by T.
Protein change: p.Ile1043Phe; replaces isoleucine 1043 with phenylalanine.
Molecular consequence: missense variant.
Genome position (GRCh38, 1-based): chrX:100,296,597, T>A on the plus strand (A>T on the coding strand, the complement: PCDH19 is on the minus strand). VCF-style: chrX-100296597-T-A. GRCh37 (hg19) VCF-style: chrX-99551595-T-A.
Other names: p.I996F:ATC>TTC; c.2986A>T, p.Ile996Phe (NM_001105243.2); c.2983A>T, p.Ile995Phe (NM_020766.3); short protein forms I1043F, I996F, I995F.
Identifiers: ClinVar variation 206285 (VCV000206285.24), dbSNP rs189342249, ClinGen allele CA316216.

ClinVar aggregate classification (germline): Conflicting classifications of pathogenicity. Review status: criteria provided, conflicting classifications (1 of 4 stars). 6 submissions from 6 submitters: Uncertain significance (1); Likely benign (4). 1 of the submissions does not count toward it. Last evaluated 2026-01-15.

Conditions:
PCDH19-related disorder. Also called: PCDH19-related condition.
Inborn genetic diseases. Identifiers: MedGen C0950123, MeSH D030342.
Developmental and epileptic encephalopathy, 9 (DEE9). Also called: JUBERG-HELLMAN SYNDROME; EPILEPSY, FEMALE-RESTRICTED, WITH MENTAL RETARDATION; Early infantile epileptic encephalopathy 9; PCDH19-Related X-Linked Female-Limited Epilepsy with Mental Retardation. Identifiers: Orphanet 101039, Orphanet 2076, MedGen C1848137, MONDO:0010246, OMIM 300088. Disease mechanism: loss of function.

Allele frequency attached by ClinVar (database versions not stated): 1000 Genomes Project 30x 0.00062; 1000 Genomes Project 0.00079.
gnomAD v4.1: 53 of 1,209,621 alleles (0.0044%); highest among the groups gnomAD compares: South Asian, 0.046%; no homozygotes.

Submissions (6):

Labcorp Genetics (formerly Invitae), Labcorp
Classification: Likely benign for Developmental and epileptic encephalopathy, 9. Last evaluated: 2026-01-15. Review status: criteria provided, single submitter. Criteria: Invitae Variant Classification Sherloc (09022015). Collection method: clinical testing. Allele origin: germline.

Ambry Genetics
Classification: Likely benign for Inborn genetic diseases. Last evaluated: 2024-12-07. Review status: criteria provided, single submitter. Criteria: Ambry Variant Classification Scheme 2023. Collection method: clinical testing. Allele origin: germline.

Blueprint Genetics
Classification: Likely benign. Last evaluated: 2024-06-27. Review status: criteria provided, single submitter. Criteria: ACMG Guidelines, 2015. Collection method: clinical testing. Allele origin: germline.

GeneDx
Classification: Likely benign. Last evaluated: 2019-03-06. Review status: criteria provided, single submitter. Criteria: GeneDx Variant Classification Process June 2021. Collection method: clinical testing. Allele origin: germline. Affected: yes.

Eurofins Ntd Llc (ga)
Classification: Uncertain significance. Last evaluated: 2016-10-20. Review status: criteria provided, single submitter. Criteria: EGL Classification Definitions 2015. Collection method: clinical testing. Allele origin: germline. Observed: 2 variant alleles, 1 heterozygote, 1 hemizygote.

PreventionGenetics, part of Exact Sciences
Classification: Likely benign for PCDH19-related condition. Last evaluated: 2021-05-24. Review status: no assertion criteria provided. Collection method: clinical testing. Allele origin: germline. Not counted in ClinVar's aggregate classification.
Comment: This variant is classified as likely benign based on ACMG/AMP sequence variant interpretation guidelines (Richards et al. 2015 PMID: 25741868, with internal and published modifications).